The following is an entry in ClinVar:

ClinVar aggregate classification (germline): Uncertain significance (1 of 4 stars; one submission).

Conditions:
Progressive microcephaly-seizures-cortical blindness-developmental delay syndrome. Also called: Seizures, cortical blindness, and microcephaly syndrome. Identifiers: Orphanet 477814, MedGen C5567650, MONDO:0014714, OMIM 616632.
Autosomal dominant nonsyndromic hearing loss 1. Also called: KONIGSMARK SYNDROME; DEAFNESS, AUTOSOMAL DOMINANT 1, WITH OR WITHOUT THROMBOCYTOPENIA. Identifiers: Orphanet 90635, MedGen C1852282, MONDO:0007424, OMIM 124900.

Submission:

Labcorp Genetics (formerly Invitae), Labcorp
Classification: Uncertain significance for Progressive microcephaly-seizures-cortical blindness-developmental delay syndrome; Autosomal dominant nonsyndromic hearing loss 1. Last evaluated: 2025-08-29. Review status: criteria provided, single submitter. Criteria: Invitae Variant Classification Sherloc (09022015). Collection method: clinical testing. Allele origin: germline.
Comment: This sequence change replaces glutamic acid, which is acidic and polar, with glutamine, which is neutral and polar, at codon 971 of the DIAPH1 protein (p.Glu971Gln). This variant is not present in population databases (gnomAD no frequency). This variant has not been reported in the literature in individuals affected with DIAPH1-related conditions. ClinVar contains an entry for this variant (Variation ID: 3748648). An algorithm developed to predict the effect of missense changes on protein structure and function outputs the following: PolyPhen-2: "Benign". The glutamine amino acid residue is found in multiple mammalian species, which suggests that this missense change does not adversely affect protein function. In summary, the available evidence is currently insufficient to determine the role of this variant in disease. Therefore, it has been classified as a Variant of Uncertain Significance.

NM_005219.5(DIAPH1):c.2911G>C (p.Glu971Gln)

Gene: DIAPH1 (diaphanous related formin 1; minus strand). Cytogenetic location: 5q31.3.
Variant type: single nucleotide variant.
Coding change: c.2911G>C on transcript NM_005219.5 (MANE Select); coding-DNA position 2911, G replaced by C.
Protein change: p.Glu971Gln; replaces glutamic acid 971 with glutamine.
Molecular consequence: missense variant.
Genome position (GRCh38, 1-based): chr5:141,528,809, C>G on the plus strand (G>C on the coding strand, the complement: DIAPH1 is on the minus strand). VCF-style: chr5-141528809-C-G. GRCh37 (hg19) VCF-style: chr5-140908376-C-G.
Other names: c.2884G>C, p.Glu962Gln (NM_001079812.3); c.2911G>C, p.Glu971Gln (NM_001314007.2); short protein forms E962Q, E971Q.
Identifiers: ClinVar variation 3748648 (VCV003748648.2).